The following is an entry in ClinVar:

ClinVar aggregate classification (germline): Conflicting classifications of pathogenicity. Review status: criteria provided, conflicting classifications (1 of 4 stars). 2 submissions from 2 submitters: Likely pathogenic (1); Uncertain significance (1). Last evaluated 2026-03-25.

Conditions:
KCNJ11-related disorder. Also called: KCNJ11-related disorders; KCNJ11-related condition.

Submissions (2):

PreventionGenetics, part of Exact Sciences
Classification: Likely pathogenic for KCNJ11-related condition. Last evaluated: 2026-03-25. Review status: criteria provided, single submitter. Criteria: ACMG Guidelines, 2015. Collection method: clinical testing. Allele origin: germline.
Comment: The KCNJ11 c.481G>A variant is predicted to result in the amino acid substitution p.Ala161Thr. This variant has been reported in at least six individuals with a diagnosis or clinical suspicion of diabetes, including neonatal diabetes and maturity-onset diabetes of the young (MODY) (Babiker et al. 2016. PubMed ID: 27033559; Davis et al. 2019. PubMed ID: 31321782; Yalçıntepe et al. 2021. PubMed ID: 33565752; ESM Table 4, Patel et al. 2021. PubMed ID: 34686905; Colclough et al. 2022. PubMed ID: 34789499; Chen et al. 2024. PubMed ID: 38095268). To our knowledge, this variant has not been reported in a large population database, indicating this variant is rare. An alternate missense at the same amino acid position, p.Ala161Val, has been reported in the homozygous state in an individual with congenital hyperinsulinism (CHI) (Table S5, Kapoor et al. 2013. PubMed ID: 23345197). Based on above evidence, this variant is interpreted as likely pathogenic.

Labcorp Genetics (formerly Invitae), Labcorp
Classification: Uncertain significance. Last evaluated: 2022-02-12. Review status: criteria provided, single submitter. Criteria: Invitae Variant Classification Sherloc (09022015). Collection method: clinical testing. Allele origin: germline.
Comment: Advanced modeling of protein sequence and biophysical properties (such as structural, functional, and spatial information, amino acid conservation, physicochemical variation, residue mobility, and thermodynamic stability) performed at Invitae indicates that this missense variant is expected to disrupt KCNJ11 protein function. In summary, the available evidence is currently insufficient to determine the role of this variant in disease. Therefore, it has been classified as a Variant of Uncertain Significance. This missense change has been observed in individual(s) with autosomal dominant KCNJ11-related conditions (PMID: 27033559, 33565752). This variant is not present in population databases (gnomAD no frequency). This sequence change replaces alanine, which is neutral and non-polar, with threonine, which is neutral and polar, at codon 161 of the KCNJ11 protein (p.Ala161Thr).

Literature cited by the submitters: PubMed 27033559 (cited by Labcorp Genetics (formerly Invitae), Labcorp); PubMed 33565752 (cited by Labcorp Genetics (formerly Invitae), Labcorp).

NM_000525.4(KCNJ11):c.481G>A (p.Ala161Thr)

Gene: KCNJ11 (potassium inwardly rectifying channel subfamily J member 11; minus strand). Cytogenetic location: 11p15.1.
Variant type: single nucleotide variant.
Coding change: c.481G>A on transcript NM_000525.4 (MANE Select); coding-DNA position 481, G replaced by A.
Protein change: p.Ala161Thr; replaces alanine 161 with threonine.
Molecular consequence: missense variant.
Genome position (GRCh38, 1-based): chr11:17,387,611, C>T on the plus strand (G>A on the coding strand, the complement: KCNJ11 is on the minus strand). VCF-style: chr11-17387611-C-T. GRCh37 (hg19) VCF-style: chr11-17409158-C-T.
Other names: c.220G>A, p.Ala74Thr (NM_001166290.2, NM_001377296.1, NM_001377297.1); c.481G>A (NM_000525.3); short protein forms A161T, A74T.
Identifiers: ClinVar variation 1931263 (VCV001931263.6), dbSNP rs1363707190, ClinGen allele CA379773339.